The following is an entry in ClinVar:

NM_001312673.2(PCYT1A):c.486G>A (p.Arg162=)

Genes: PCYT1A (phosphate cytidylyltransferase 1A, choline; minus strand), LOC126806932 (BRD4-independent group 4 enhancer GRCh37_chr3:195973646-195974845; plus strand). Cytogenetic location: 3q29.
Variant type: single nucleotide variant.
Coding change: c.486G>A on transcript NM_001312673.2 (MANE Select); coding-DNA position 486, G replaced by A.
Protein change: p.Arg162=; no amino-acid change (arginine 162 retained).
Molecular consequence: synonymous variant.
Genome position (GRCh38, 1-based): chr3:196,247,367, C>T on the plus strand (G>A on the coding strand, the complement: PCYT1A is on the minus strand). VCF-style: chr3-196247367-C-T. GRCh37 (hg19) VCF-style: chr3-195974238-C-T.
Other names: c.486G>A, p.Arg162= (NM_005017.4).
Identifiers: ClinVar variation 1353765 (VCV001353765.6), dbSNP rs372728478, ClinGen allele CA2779518.

ClinVar aggregate classification (germline): Uncertain significance (1 of 4 stars; one submission).

Allele frequency attached by ClinVar (database versions not stated): gnomAD 0.00005; gnomAD exomes 0.00005 and 0.00007; ExAC 0.00007; TOPMed 0.00007; ESP Exome Variant Server 0.00015.
gnomAD v4.1: 105 of 1,613,760 alleles (0.0065%); highest among the groups gnomAD compares: Non-Finnish European, 0.0086%; no homozygotes.

Submissions (2):

Labcorp Genetics (formerly Invitae), Labcorp
Classification: Uncertain significance. Last evaluated: 2022-08-12. Review status: criteria provided, single submitter. Criteria: Invitae Variant Classification Sherloc (09022015). Collection method: clinical testing. Allele origin: germline.
Comment: This sequence change affects codon 162 of the PCYT1A mRNA. It is a 'silent' change, meaning that it does not change the encoded amino acid sequence of the PCYT1A protein. This variant also falls at the last nucleotide of exon 6, which is part of the consensus splice site for this exon. This variant is present in population databases (rs372728478, gnomAD 0.01%). This variant has not been reported in the literature in individuals affected with PCYT1A-related conditions. ClinVar contains an entry for this variant (Variation ID: 1353765). Variants that disrupt the consensus splice site are a relatively common cause of aberrant splicing (PMID: 17576681, 9536098). Algorithms developed to predict the effect of sequence changes on RNA splicing suggest that this variant is not likely to affect RNA splicing. In summary, the available evidence is currently insufficient to determine the role of this variant in disease. Therefore, it has been classified as a Variant of Uncertain Significance.

Dr. Peter K. Rogan Lab, Western University
No classification provided (evidence only). Condition: Ovarian serous cystadenocarcinoma. Review status: no classification provided. Collection method: in vitro. Allele origin: not applicable. Functional consequence: retained intron. Not counted in ClinVar's aggregate classification.

Literature cited by the submitters: PubMed 17576681 (cited by Labcorp Genetics (formerly Invitae), Labcorp); PubMed 9536098 (cited by Labcorp Genetics (formerly Invitae), Labcorp).